The following is an entry in ClinVar:

NM_181872.6(DMRT2):c.1238C>T (p.Thr413Met)

Gene: DMRT2 (doublesex and mab-3 related transcription factor 2; plus strand). Cytogenetic location: 9p24.3.
Variant type: single nucleotide variant.
Coding change: c.1238C>T on transcript NM_181872.6 (MANE Select); coding-DNA position 1238, C replaced by T.
Protein change: p.Thr413Met; replaces threonine 413 with methionine.
Molecular consequence: missense variant. On other transcripts: 3 prime UTR variant (4), non-coding transcript variant (1).
Genome position (GRCh38, 1-based): chr9:1,056,825, C>T. VCF-style: chr9-1056825-C-T. GRCh37 (hg19) VCF-style: chr9-1056825-C-T.
Other names: c.*635C>T (NM_001130865.3, NM_001370533.1, NM_001387557.1); c.716C>T, p.Thr239Met (NM_001370532.1); c.1238C>T, p.Thr413Met (NM_001387558.1, NM_001387559.1); c.539C>T, p.Thr180Met (NM_001387560.1); c.*1051C>T (NM_006557.7); short protein forms T180M, T413M, T239M.
Identifiers: ClinVar variation 4981553 (VCV004981553.1).
Genomic context (GRCh38, chr9:1,056,825, plus strand): 5'-TGATGCCATCGAAATTGGAAGGTTCCCTGGTGCTGCCTCACACTCCTGAGATCCAGACCA[C>T]GAGAAGTGACCTTCAGGGTCATCAGGCTGTCCCAGAGAGGTCCGCGTTCTCCCCACCCCG-3'
Protein context (NP_870987.2, residues 403-423): VLPHTPEIQT[Thr413Met]RSDLQGHQAV

ClinVar aggregate classification (germline): Likely benign (1 of 4 stars; one submission).

Conditions:
DMRT2-related disorder. Also called: DMRT2-related condition.

gnomAD v4.1: 2,581 of 1,614,122 alleles (0.16%); highest among the groups gnomAD compares: Non-Finnish European, 0.2%; 2 homozygotes.

Submission:

PreventionGenetics, part of Exact Sciences
Classification: Likely benign for DMRT2-related condition. Last evaluated: 2025-08-16. Review status: criteria provided, single submitter. Criteria: ACMG Guidelines, 2015. Collection method: clinical testing. Allele origin: germline.
Comment: This variant is classified as likely benign based on ACMG/AMP sequence variant interpretation guidelines (Richards et al. 2015 PMID: 25741868, with internal and published modifications).